The following is an entry in ClinVar:

ClinVar aggregate classification (germline): Uncertain significance (1 of 4 stars; one submission).

Conditions:
Hoyeraal-Hreidarsson syndrome (HHS). Also called: CEREBELLAR HYPOPLASIA WITH PANCYTOPENIA. Identifiers: Orphanet 3322, MedGen C1846142, MONDO:0018045.
Autosomal recessive dyskeratosis congenita. Identifiers: MedGen C3502105.

Allele frequency attached by ClinVar (database versions not stated): gnomAD exomes below 0.00001; ExAC 0.00001; gnomAD 0.00001; TOPMed 0.00001.
gnomAD v4.1: 9 of 1,613,860 alleles (0.00056%); highest among the groups gnomAD compares: African/African-American, 0.0027%; no homozygotes.

Submission:

Labcorp Genetics (formerly Invitae), Labcorp
Classification: Uncertain significance for Hoyeraal-Hreidarsson syndrome; Autosomal recessive dyskeratosis congenita. Last evaluated: 2019-12-03. Review status: criteria provided, single submitter. Criteria: Invitae Variant Classification Sherloc (09022015). Collection method: clinical testing. Allele origin: germline.
Comment: In summary, the available evidence is currently insufficient to determine the role of this variant in disease. Therefore, it has been classified as a Variant of Uncertain Significance. Algorithms developed to predict the effect of missense changes on protein structure and function output the following: SIFT: "Tolerated"; PolyPhen-2: "Benign"; Align-GVGD: "Class C0". The valine amino acid residue is found in multiple mammalian species, suggesting that this missense change does not adversely affect protein function. These predictions have not been confirmed by published functional studies and their clinical significance is uncertain. This variant has not been reported in the literature in individuals with DCLRE1B-related conditions. This variant is present in population databases (rs761321321, ExAC 0.001%). This sequence change replaces isoleucine with valine at codon 85 of the DCLRE1B protein (p.Ile85Val). The isoleucine residue is moderately conserved and there is a small physicochemical difference between isoleucine and valine.

NM_022836.4(DCLRE1B):c.253A>G (p.Ile85Val)

Gene: DCLRE1B (DNA cross-link repair 1B; plus strand). Cytogenetic location: 1p13.2.
Variant type: single nucleotide variant.
Coding change: c.253A>G on transcript NM_022836.4 (MANE Select); coding-DNA position 253, A replaced by G.
Protein change: p.Ile85Val; replaces isoleucine 85 with valine.
Molecular consequence: missense variant. On other transcripts: intron variant (3).
Genome position (GRCh38, 1-based): chr1:113,907,059, A>G. VCF-style: chr1-113907059-A-G. GRCh37 (hg19) VCF-style: chr1-114449681-A-G.
Other names: c.253A>G, p.Ile85Val (NM_001363690.2); c.-23-950A>G (NM_001319947.2, NM_001319946.2, NM_001363691.2); short protein forms I85V.
Identifiers: ClinVar variation 854983 (VCV000854983.9), dbSNP rs761321321, ClinGen allele CA1016323.